The following is an entry in ClinVar:

ClinVar aggregate classification (germline): Uncertain significance. Review status: criteria provided, multiple submitters, no conflicts (2 of 4 stars). 2 submissions from 2 submitters: Uncertain significance (2). Last evaluated 2024-10-11.

Conditions:
Inborn genetic diseases. Identifiers: MedGen C0950123, MeSH D030342.

gnomAD v4.1: 24 of 1,596,578 alleles (0.0015%); highest among the groups gnomAD compares: Non-Finnish European, 0.0021%; no homozygotes.

Submissions (2):

Ambry Genetics
Classification: Uncertain significance for Inborn genetic diseases. Last evaluated: 2024-10-11. Review status: criteria provided, single submitter. Criteria: Ambry Variant Classification Scheme 2023. Collection method: clinical testing. Allele origin: germline.

GeneDx
Classification: Uncertain significance. Last evaluated: 2023-08-08. Review status: criteria provided, single submitter. Criteria: GeneDx Variant Classification Process June 2021. Collection method: clinical testing. Allele origin: germline. Affected: yes.
Comment: Not observed at significant frequency in large population cohorts (gnomAD); In silico analysis supports that this missense variant does not alter protein structure/function; Has not been previously published as pathogenic or benign to our knowledge

NM_016030.6(TRAPPC12):c.997G>A (p.Val333Met)

Gene: TRAPPC12 (trafficking protein particle complex subunit 12; plus strand). Cytogenetic location: 2p25.3.
Variant type: single nucleotide variant.
Coding change: c.997G>A on transcript NM_016030.6 (MANE Select); coding-DNA position 997, G replaced by A.
Protein change: p.Val333Met; replaces valine 333 with methionine.
Molecular consequence: missense variant.
Genome position (GRCh38, 1-based): chr2:3,388,620, G>A. VCF-style: chr2-3388620-G-A. GRCh37 (hg19) VCF-style: chr2-3392391-G-A.
Other names: c.997G>A, p.Val333Met (NM_001321102.2); short protein forms V333M.
Identifiers: ClinVar variation 3361851 (VCV003361851.2).